The following is an entry in ClinVar:

ClinVar aggregate classification (germline): Uncertain significance (1 of 4 stars; one submission).

Submission:

GeneDx
Classification: Uncertain significance. Last evaluated: 2025-03-07. Review status: criteria provided, single submitter. Criteria: GeneDx Variant Classification Process June 2021. Collection method: clinical testing. Allele origin: germline. Affected: yes.
Comment: Not observed at significant frequency in large population cohorts (gnomAD); In silico analysis supports that this missense variant has a deleterious effect on protein structure/function; Has not been previously published as pathogenic or benign to our knowledge

NM_194248.3(OTOF):c.2834A>T (p.His945Leu)

Gene: OTOF (otoferlin; minus strand). Cytogenetic location: 2p23.3.
Variant type: single nucleotide variant.
Coding change: c.2834A>T on transcript NM_194248.3 (MANE Select); coding-DNA position 2834, A replaced by T.
Protein change: p.His945Leu; replaces histidine 945 with leucine.
Molecular consequence: missense variant.
Genome position (GRCh38, 1-based): chr2:26,476,160, T>A on the plus strand (A>T on the coding strand, the complement: OTOF is on the minus strand). VCF-style: chr2-26476160-T-A. GRCh37 (hg19) VCF-style: chr2-26699028-T-A.
Other names: c.593A>T, p.His198Leu (NM_194323.3, NM_004802.4); c.2834A>T, p.His945Leu (NM_001287489.2); c.764A>T, p.His255Leu (NM_194322.3); short protein forms H198L, H255L, H945L.
Identifiers: ClinVar variation 4083010 (VCV004083010.1).